The following is an entry in ClinVar:

ClinVar aggregate classification (germline): Likely benign (1 of 4 stars; one submission).

Submission:

GeneDx
Classification: Likely benign. Last evaluated: 2021-11-29. Review status: criteria provided, single submitter. Criteria: GeneDx Variant Classification Process June 2021. Collection method: clinical testing. Allele origin: germline. Affected: yes.
Comment: See Variant Classification Assertion Criteria.

NM_001018115.3(FANCD2):c.3777+85_3777+86dup

Genes: FANCD2 (FA complementation group D2; plus strand), FANCD2OS (FANCD2 opposite strand; minus strand). Cytogenetic location: 3p25.3.
Variant type: Duplication.
Coding change: c.3777+85_3777+86dup on transcript NM_001018115.3 (MANE Select); bases 85 to 86 of the intron after coding-DNA position 3777, 2 bases duplicated (TT; older notation c.3777+85_3777+86dupTT).
Molecular consequence: intron variant.
Genome position (GRCh38, 1-based): chr3:10,090,470-10,090,471, TT duplicated; duplicating any 2 consecutive bases within chr3:10,090,444-10,090,471 gives the same sequence; the c. name uses the placement nearest the transcript's 3' end. VCF-style (leftmost placement, unchanged base first): chr3-10090443-A-ATT. GRCh37 (hg19) VCF-style: chr3-10132127-A-ATT.
Other names: c.3777+85_3777+86dup (NM_001319984.2, NM_033084.6, NM_001374254.1); c.3666+85_3666+86dup (NM_001374253.1); c.*44-8914_*44-8913dup (NM_173472.2).
Identifiers: ClinVar variation 1706647 (VCV001706647.2), dbSNP rs773716319, ClinGen allele CA540881250.